The following is an entry in ClinVar:

NM_000489.6(ATRX):c.2775T>C (p.Ser925=)

Gene: ATRX (ATRX chromatin remodeler; minus strand). Cytogenetic location: Xq21.1.
Variant type: single nucleotide variant.
Coding change: c.2775T>C on transcript NM_000489.6 (MANE Select); coding-DNA position 2775, T replaced by C.
Protein change: p.Ser925=; no amino-acid change (serine 925 retained).
Molecular consequence: synonymous variant.
Genome position (GRCh38, 1-based): chrX:77,682,481, A>G on the plus strand (T>C on the coding strand, the complement: ATRX is on the minus strand). VCF-style: chrX-77682481-A-G. GRCh37 (hg19) VCF-style: chrX-76937973-A-G.
Other names: c.2661T>C, p.Ser887= (NM_138270.5).
Identifiers: ClinVar variation 1093419 (VCV001093419.33), dbSNP rs139376742, ClinGen allele CA331569015.

ClinVar aggregate classification (germline): Likely benign. Review status: criteria provided, multiple submitters, no conflicts (2 of 4 stars). 2 submissions from 2 submitters: Likely benign (2). Last evaluated 2024-10-16.

Conditions:
Alpha thalassemia-X-linked intellectual disability syndrome (ATRX). Also called: ALPHA-THALASSEMIA/MENTAL RETARDATION SYNDROME, X-LINKED; ATR, NONDELETION TYPE; ATR-X syndrome; Alpha thalassemia mental retardation syndrome, nondeletion type, X-linked; XLMR hypotonic face syndrome; X-linked alpha-thalassemia-mental retardation syndrome. Identifiers: Orphanet 847, MedGen C1845055, MONDO:0010519, OMIM 301040.

Allele frequency attached by ClinVar (database versions not stated): gnomAD exomes below 0.00001; gnomAD 0.00001; ESP Exome Variant Server 0.00009; TOPMed 0.00001.
gnomAD v4.1: 2 of 1,209,644 alleles (0.00017%); highest among the groups gnomAD compares: Non-Finnish European, 0.00022%; no homozygotes.

Submissions (2):

Labcorp Genetics (formerly Invitae), Labcorp
Classification: Likely benign for Alpha thalassemia-X-linked intellectual disability syndrome. Last evaluated: 2024-10-16. Review status: criteria provided, single submitter. Criteria: Invitae Variant Classification Sherloc (09022015). Collection method: clinical testing. Allele origin: germline.

CeGaT Center for Human Genetics Tuebingen
Classification: Likely benign. Last evaluated: 2022-07-01. Review status: criteria provided, single submitter. Criteria: CeGaT Center For Human Genetics Tuebingen Variant Classification Criteria Version 2. Collection method: clinical testing. Allele origin: germline. Affected: yes. Observed: 1 variant allele.
Comment: ATRX: BP4, BP7